The following is an entry in ClinVar:

ClinVar aggregate classification (germline): Likely pathogenic (1 of 4 stars; one submission).

Allele frequency attached by ClinVar (database versions not stated): TOPMed 0.00002.

Submission:

ARUP Laboratories, Molecular Genetics and Genomics, ARUP Laboratories
Classification: Likely pathogenic. Last evaluated: 2022-07-14. Review status: criteria provided, single submitter. Criteria: ARUP Molecular Germline Variant Investigation Process 2021. Collection method: clinical testing. Allele origin: germline.
Comment: The F8 c.1639T>C; p.Cys547Arg variant (rs782151721) is reported in individuals with hemophilia A (see Factor VIII database, Johnsen 2017, Santagostino 2010). Other variants at this codon (Cys547Phe, Cys547Tyr, Cys547Trp) have also been reported in individuals with hemophila A (see Factor VIII database). The p.Cys547Arg variant is absent from the Genome Aggregation Database, indicating it is not a common polymorphism. The cysteine at codon 547 is highly conserved, and computational analyses predict that this variant is deleterious (REVEL: 0.941). Based on available information, this variant is considered to be likely pathogenic. References: Factor VIII database: Johnsen JM et al. Novel approach to genetic analysis and results in 3000 hemophilia patients enrolled in the My Life, Our Future initiative. Blood Adv. 2017 May 18;1(13):824-834. PMID: 29296726. Santagostino E et al. Severe hemophilia with mild bleeding phenotype: molecular characterization and global coagulation profile. J Thromb Haemost. 2010 Apr;8(4):737-43. PMID: 20102490.

NM_000132.4(F8):c.1639T>C (p.Cys547Arg)

Gene: F8 (coagulation factor VIII; minus strand). Cytogenetic location: Xq28.
Variant type: single nucleotide variant.
Coding change: c.1639T>C on transcript NM_000132.4 (MANE Select); coding-DNA position 1639, T replaced by C.
Protein change: p.Cys547Arg; replaces cysteine 547 with arginine.
Molecular consequence: missense variant.
Genome position (GRCh38, 1-based): chrX:154,957,070, A>G on the plus strand (T>C on the coding strand, the complement: F8 is on the minus strand). VCF-style: chrX-154957070-A-G. GRCh37 (hg19) VCF-style: chrX-154185345-A-G.
Other names: short protein forms C547R.
Identifiers: ClinVar variation 2428751 (VCV002428751.3), dbSNP rs782151721, ClinGen allele CA414911874.
Genomic context (GRCh38, chrX:154,957,070, plus strand): 5'-TGAGTCCTGAAGCTAGATCTCTCTCCATATTAACGAAACTAGAGTAATAGCGGGTCAGGC[A>G]CCGAGGATCTGATTTAGTTGGCCCATCTTCTACAGTCACTGTCCATTTATATTTGAATAT-3'
Protein context (NP_000123.1, residues 537-557): EDGPTKSDPR[Cys547Arg]LTRYYSSFVN